The following is an entry in ClinVar:

ClinVar aggregate classification (germline): Benign/Likely benign. Review status: criteria provided, multiple submitters, no conflicts (2 of 4 stars). 2 submissions from 2 submitters: Benign (1); Likely benign (1). Last evaluated 2024-06-05.

Conditions:
Familial cancer of breast. Also called: BREAST CANCER, FAMILIAL; hereditary breast carcinoma; Hereditary breast cancer. Identifiers: Orphanet 227535, MedGen C0346153, MONDO:0016419, OMIM 114480. Disease mechanism: loss of function.
Ataxia-telangiectasia syndrome (AT). Also called: ATAXIA-TELANGIECTASIA, COMPLEMENTATION GROUP A; ATAXIA-TELANGIECTASIA, FRESNO VARIANT; Ataxia-telangiectasia; Ataxia-telangiectasia, complementation group E; LOUIS-BAR SYNDROME; Cerebello-oculocutaneous telangiectasia. Identifiers: Orphanet 100, MedGen C0004135, MONDO:0008840, OMIM 208900.

Submissions (2):

Myriad Genetics, Inc.
Classification: Benign for Familial cancer of breast. Last evaluated: 2024-06-05. Review status: criteria provided, single submitter. Criteria: Myriad Autosomal Dominant, Autosomal Recessive and X-Linked Classification Criteria (2023). Collection method: clinical testing. Allele origin: unknown.
Comment: This variant is considered benign. This variant is a silent/synonymous amino acid change and it is not expected to impact splicing.

Labcorp Genetics (formerly Invitae), Labcorp
Classification: Likely benign for Ataxia-telangiectasia syndrome. Last evaluated: 2022-09-21. Review status: criteria provided, single submitter. Criteria: Invitae Variant Classification Sherloc (09022015). Collection method: clinical testing. Allele origin: germline.

NM_000051.4(ATM):c.6225T>C (p.His2075=)

Genes: ATM (ATM serine/threonine kinase; plus strand), C11orf65 (chromosome 11 open reading frame 65; minus strand). Cytogenetic location: 11q22.3.
Variant type: single nucleotide variant.
Coding change: c.6225T>C on transcript NM_000051.4 (MANE Select); coding-DNA position 6225, T replaced by C.
Protein change: p.His2075=; no amino-acid change (histidine 2075 retained).
Molecular consequence: synonymous variant. On other transcripts: intron variant (2).
Genome position (GRCh38, 1-based): chr11:108,317,399, T>C. VCF-style: chr11-108317399-T-C. GRCh37 (hg19) VCF-style: chr11-108188126-T-C.
Other names: c.6225T>C, p.His2075= (NM_001351834.2); c.641-8328A>G (NM_001330368.2); c.*39-8328A>G (NM_001351110.2).
Identifiers: ClinVar variation 2121228 (VCV002121228.5), dbSNP rs2136163848, ClinGen allele CA476675966.